The following is an entry in ClinVar:

NM_005002.5(NDUFA9):c.319-71G>A

Gene: NDUFA9 (NADH:ubiquinone oxidoreductase subunit A9; plus strand). Cytogenetic location: 12p13.32.
Variant type: single nucleotide variant.
Coding change: c.319-71G>A on transcript NM_005002.5 (MANE Select); 71 bases into the intron before coding-DNA position 319, G replaced by A.
Molecular consequence: intron variant.
Genome position (GRCh38, 1-based): chr12:4,657,677, G>A. VCF-style: chr12-4657677-G-A. GRCh37 (hg19) VCF-style: chr12-4766843-G-A.
Identifiers: ClinVar variation 676941 (VCV000676941.2), dbSNP rs112635332, ClinGen allele CA231820153.

ClinVar aggregate classification (germline): Benign. Review status: criteria provided, multiple submitters, no conflicts (2 of 4 stars). 2 submissions from 2 submitters: Benign (2). Last evaluated 2018-06-14.

Allele frequency attached by ClinVar (database versions not stated): gnomAD 0.01886 and 0.02025; TOPMed 0.02217; 1000 Genomes Project 0.02236; 1000 Genomes Project 30x 0.02405.
gnomAD v4.1: 5,070 of 1,087,322 alleles (0.47%); highest among the groups gnomAD compares: African/African-American, 6.3%; 137 homozygotes.

Submissions (2):

GeneDx
Classification: Benign. Last evaluated: 2018-06-14. Review status: criteria provided, single submitter. Criteria: GeneDx Variant Classification (06012015). Collection method: clinical testing. Allele origin: germline. Affected: yes.
Comment: This variant is considered likely benign or benign based on one or more of the following criteria: it is a conservative change, it occurs at a poorly conserved position in the protein, it is predicted to be benign by multiple in silico algorithms, and/or has population frequency not consistent with disease.

Breakthrough Genomics
Classification: Benign. Review status: criteria provided, single submitter. Criteria: ACMG Guidelines, 2015. Collection method: not provided. Allele origin: germline. Inheritance: Autosomal recessive inheritance. Affected: yes.